The following is an entry in ClinVar:

ClinVar aggregate classification (germline): Benign (1 of 4 stars; one submission).

Submission:

Women's Health and Genetics/Laboratory Corporation of America, LabCorp
Classification: Benign. Last evaluated: 2022-03-08. Review status: criteria provided, single submitter. Criteria: LabCorp Variant Classification Summary - May 2015. Collection method: clinical testing. Allele origin: germline.
Comment: Variant summary: GALT c.-1005_-1004dupTT is located in the untranscribed region upstream of the GALT gene region. The variant allele was found at a frequency of 0.028 in 23774 control chromosomes, predominantly at a frequency of 0.09 within the African or African-American subpopulation in the gnomAD database, including 44 homozygotes. The observed variant frequency within African or African-American control individuals in the gnomAD database is approximately 31.18 fold of the estimated maximal expected allele frequency for a pathogenic variant in GALT causing Galactosemia phenotype (0.0029), strongly suggesting that the variant is a benign polymorphism found primarily in populations of African or African-American origin.No clinical diagnostic laboratories have submitted clinical-significance assessments for this variant to ClinVar after 2014. Based on the evidence outlined above, the variant was classified as benign.

NM_000155.3(GALT):c.-1005_-1004dupTT

Gene: GALT (galactose-1-phosphate uridylyltransferase; plus strand). Cytogenetic location: 9p13.3.
Variant type: Duplication.
Coding change: c.-1005_-1004dupTT on transcript NM_000155.3; 1005 bases upstream of the start codon through 1004 bases upstream of the start codon, 2 bases duplicated (TT).
Genome position (GRCh38, 1-based): chr9:34,645,700-34,645,701, TT duplicated; duplicating any 2 consecutive bases within chr9:34,645,686-34,645,701 gives the same sequence; the c. name uses the placement nearest the transcript's 3' end. VCF-style (leftmost placement, unchanged base first): chr9-34645685-C-CTT. GRCh37 (hg19) VCF-style: chr9-34645682-C-CTT.
Identifiers: ClinVar variation 1677034 (VCV001677034.3), dbSNP rs201344398, ClinGen allele CA587243209.